The following is an entry in ClinVar:

NM_001267550.2(TTN):c.31599T>C (p.Pro10533=)

Gene: TTN (titin; minus strand). Cytogenetic location: 2q31.2.
Variant type: single nucleotide variant.
Coding change: c.31599T>C on transcript NM_001267550.2 (MANE Select); coding-DNA position 31599, T replaced by C.
Protein change: p.Pro10533=; no amino-acid change (proline 10533 retained).
Molecular consequence: synonymous variant. On other transcripts: intron variant (3).
Genome position (GRCh38, 1-based): chr2:178,692,576, A>G on the plus strand (T>C on the coding strand, the complement: TTN is on the minus strand). VCF-style: chr2-178692576-A-G. GRCh37 (hg19) VCF-style: chr2-179557303-A-G.
Other names: c.30648T>C, p.Pro10216= (NM_001256850.1); c.27867T>C, p.Pro9289= (NM_133378.4); c.13282+45506T>C (NM_003319.4); c.13858+45506T>C (NM_133437.4); c.13657+45506T>C (NM_133432.3).
Identifiers: ClinVar variation 1084407 (VCV001084407.10), dbSNP rs994535522, ClinGen allele CA60989652.
Genomic context (GRCh38, chr2:178,692,576, plus strand): 5'-CACTTTTTTAGGGATAGGAACAGGGGCCACTTCTTCTGGAGCTGGTTTCTCAGGTAGCTC[A>G]GGGACTTTAAAAGAAAAGTGCCATTTTTGAGAAAGTGTGCATTTGACAAGGCATATGTTG-3'
Protein context (NP_001254479.2, residues 10523-10543): SKRVEPPPKV[Pro10533=]ELPEKPAPEE

ClinVar aggregate classification (germline): Likely benign. Review status: criteria provided, multiple submitters, no conflicts (2 of 4 stars). 2 submissions from 2 submitters: Likely benign (2). Last evaluated 2025-09-16.

Conditions:
TTN-related disorder. Also called: TTN-related disorders; TTN-related condition; TTN-related disease.
Dilated cardiomyopathy 1G (CMD1G). Identifiers: Orphanet 154, MedGen C1858763, MONDO:0011400, OMIM 604145.
Autosomal recessive limb-girdle muscular dystrophy type 2J (LGMDR10). Also called: Limb-girdle muscular dystrophy, type 2J; MUSCULAR DYSTROPHY, LIMB-GIRDLE, AUTOSOMAL RECESSIVE 10. Identifiers: Orphanet 140922, MedGen C1837342, MONDO:0012127, OMIM 608807.

Allele frequency attached by ClinVar (database versions not stated): gnomAD exomes 0.00002; gnomAD 0.00003 and 0.00004; TOPMed 0.00003.
gnomAD v4.1: 26 of 1,533,398 alleles (0.0017%); highest among the groups gnomAD compares: Non-Finnish European, 0.0023%; no homozygotes.

Submissions (2):

Labcorp Genetics (formerly Invitae), Labcorp
Classification: Likely benign for Dilated cardiomyopathy 1G; Autosomal recessive limb-girdle muscular dystrophy type 2J. Last evaluated: 2025-09-16. Review status: criteria provided, single submitter. Criteria: Invitae Variant Classification Sherloc (09022015). Collection method: clinical testing. Allele origin: germline.

PreventionGenetics, part of Exact Sciences
Classification: Likely benign for TTN-related condition. Last evaluated: 2025-08-28. Review status: criteria provided, single submitter. Criteria: ACMG Guidelines, 2015. Collection method: clinical testing. Allele origin: germline.
Comment: This variant is classified as likely benign based on ACMG/AMP sequence variant interpretation guidelines (Richards et al. 2015 PMID: 25741868, with internal and published modifications).